The following is an entry in ClinVar:

NM_001164508.2(NEB):c.21664T>A (p.Ser7222Thr)

Genes: NEB (nebulin; minus strand), RIF1 (replication timing regulatory factor 1; plus strand). Cytogenetic location: 2q23.3.
Variant type: single nucleotide variant.
Coding change: c.21664T>A on transcript NM_001164508.2 (MANE Select); coding-DNA position 21664, T replaced by A.
Protein change: p.Ser7222Thr; replaces serine 7222 with threonine.
Molecular consequence: missense variant.
Genome position (GRCh38, 1-based): chr2:151,529,281, A>T on the plus strand (T>A on the coding strand, the complement: NEB is on the minus strand). VCF-style: chr2-151529281-A-T. GRCh37 (hg19) VCF-style: chr2-152385795-A-T.
Other names: c.16561T>A (NM_004543.4); c.21664T>A, p.Ser7222Thr (NM_001164507.2); c.21769T>A, p.Ser7257Thr (NM_001271208.2); c.16561T>A, p.Ser5521Thr (NM_004543.5); short protein forms S7257T, S7222T, S5521T.
Identifiers: ClinVar variation 424311 (VCV000424311.17), dbSNP rs191722579, ClinGen allele CA1906915.

ClinVar aggregate classification (germline): Conflicting classifications of pathogenicity. Review status: criteria provided, conflicting classifications (1 of 4 stars). 6 submissions from 6 submitters: Uncertain significance (4); Likely benign (1). 1 of the submissions does not count toward it. Last evaluated 2026-01-13.

Conditions:
Inborn genetic diseases. Identifiers: MedGen C0950123, MeSH D030342.
Nemaline myopathy 2 (NEM2). Also called: Nemaline myopathy 2, autosomal recessive. Identifiers: MedGen C1850569, MONDO:0009725, OMIM 256030.

Allele frequency attached by ClinVar (database versions not stated): 1000 Genomes Project 30x 0.00016; ExAC 0.00017; 1000 Genomes Project 0.00020; gnomAD 0.00021 and 0.00022; gnomAD exomes 0.00021 and 0.00026; TOPMed 0.00034.
gnomAD v4.1: 412 of 1,613,420 alleles (0.026%); highest among the groups gnomAD compares: Non-Finnish European, 0.03%; no homozygotes.

Submissions (6):

Labcorp Genetics (formerly Invitae), Labcorp
Classification: Likely benign for Nemaline myopathy 2. Last evaluated: 2026-01-13. Review status: criteria provided, single submitter. Criteria: Invitae Variant Classification Sherloc (09022015). Collection method: clinical testing. Allele origin: germline.

Blueprint Genetics
Classification: Uncertain significance. Last evaluated: 2024-11-06. Review status: criteria provided, single submitter. Criteria: ACMG Guidelines, 2015. Collection method: clinical testing. Allele origin: germline.

Revvity Omics, Revvity
Classification: Uncertain significance. Last evaluated: 2023-12-19. Review status: criteria provided, single submitter. Criteria: ACMG Guidelines, 2015. Collection method: clinical testing. Allele origin: germline.

Ambry Genetics
Classification: Uncertain significance for Inborn genetic diseases. Last evaluated: 2021-09-17. Review status: criteria provided, single submitter. Criteria: Ambry Variant Classification Scheme 2023. Collection method: clinical testing. Allele origin: germline.

GeneDx
Classification: Uncertain significance. Last evaluated: 2020-05-26. Review status: criteria provided, single submitter. Criteria: GeneDx Variant Classification Process June 2021. Collection method: clinical testing. Allele origin: germline. Affected: yes.
Comment: In silico analysis supports that this missense variant does not alter protein structure/function; Has not been previously published as pathogenic or benign to our knowledge

Natera, Inc.
Classification: Uncertain significance for Nemaline myopathy type 2. Last evaluated: 2020-01-17. Review status: no assertion criteria provided. Collection method: clinical testing. Allele origin: germline. Not counted in ClinVar's aggregate classification.